The following is an entry in ClinVar:

ClinVar aggregate classification (germline): Likely pathogenic (0 of 4 stars; one submission).

Conditions:
SCN4A-related disorder. Also called: SCN4A-related disorders.

Submission:

PreventionGenetics, part of Exact Sciences
Classification: Likely pathogenic for SCN4A-related condition. Last evaluated: 2024-05-01. Review status: no assertion criteria provided. Collection method: clinical testing. Allele origin: germline.
Comment: The SCN4A c.2974G>T variant is predicted to result in premature protein termination (p.Glu992*). To our knowledge, this variant has not been reported in the literature or in a large population database, indicating this variant is rare. Nonsense variants in SCN4A are expected to be pathogenic. This variant is interpreted as likely pathogenic.

NM_000334.4(SCN4A):c.2974G>T (p.Glu992Ter)

Genes: GH-LCR (growth hormone locus control region; plus strand), SCN4A (sodium voltage-gated channel alpha subunit 4; minus strand). Cytogenetic location: 17q23.3.
Variant type: single nucleotide variant.
Coding change: c.2974G>T on transcript NM_000334.4 (MANE Select); coding-DNA position 2974, G replaced by T.
Protein change: p.Glu992Ter; replaces glutamic acid 992 with a stop codon.
Molecular consequence: nonsense.
Genome position (GRCh38, 1-based): chr17:63,949,408, C>A on the plus strand (G>T on the coding strand, the complement: SCN4A is on the minus strand). VCF-style: chr17-63949408-C-A. GRCh37 (hg19) VCF-style: chr17-62026768-C-A.
Other names: short protein forms E992*.
Identifiers: ClinVar variation 3349710 (VCV003349710.1).
Genomic context (GRCh38, chr17:63,949,408, plus strand): 5'-GCAGGCCTGGGGGAGACACCCAGATGAGGTGAGGGGTGCCCTCACCCTCAGTGAAGCACT[C>A]CTCAGGCTGCTCCCCCTCGGGGTTCTCCTCTGCCTGCTCCTCAGGGTCCTCCTCGGGGGG-3'